The following is an entry in ClinVar:

NM_001126108.2(SLC12A3):c.1049C>T (p.Ser350Leu)

Gene: SLC12A3 (solute carrier family 12 member 3; plus strand). Cytogenetic location: 16q13.
Variant type: single nucleotide variant.
Coding change: c.1049C>T on transcript NM_001126108.2 (MANE Select); coding-DNA position 1049, C replaced by T.
Protein change: p.Ser350Leu; replaces serine 350 with leucine.
Molecular consequence: missense variant.
Genome position (GRCh38, 1-based): chr16:56,872,740, C>T. VCF-style: chr16-56872740-C-T. GRCh37 (hg19) VCF-style: chr16-56906652-C-T.
Other names: c.1049C>T, p.Ser350Leu (NM_000339.3); c.1046C>T, p.Ser349Leu (NM_001126107.2); short protein forms S349L, S350L.
Identifiers: ClinVar variation 805468 (VCV000805468.12), dbSNP rs778585043, ClinGen allele CA8069307.

ClinVar aggregate classification (germline): Conflicting classifications of pathogenicity. Review status: criteria provided, conflicting classifications (1 of 4 stars). 5 submissions from 5 submitters: Likely pathogenic (3); Uncertain significance (2). Last evaluated 2025-10-30.

Conditions:
Familial hypokalemia-hypomagnesemia (GTLMNS). Also called: gitelman syndrome; HYPOMAGNESEMIA-HYPOKALEMIA, PRIMARY RENOTUBULAR, WITH HYPOCALCIURIA; POTASSIUM AND MAGNESIUM DEPLETION. Identifiers: Orphanet 358, MedGen C0268450, MONDO:0009904, OMIM 263800.

Allele frequency attached by ClinVar (database versions not stated): gnomAD 0.00001; ExAC 0.00002; gnomAD exomes 0.00002; TOPMed 0.00002.
gnomAD v4.1: 14 of 1,614,114 alleles (0.00087%); highest among the groups gnomAD compares: Admixed American, 0.0033%; no homozygotes.

Submissions (5):

Natera, Inc.
Classification: Likely pathogenic for Gitelman syndrome. Last evaluated: 2025-10-30. Review status: criteria provided, single submitter. Criteria: Natera Variant Classification Schema (03/2026). Collection method: clinical testing. Allele origin: germline.
Comment: The c.1049C>T variant in SLC12A3 is a missense variant predicted to cause substitution of serine to leucine at amino acid 350. This variant is rare in the general population with a frequency below the threshold expected for the associated phenotype(s). This variant has been observed in one or more individuals affected with the associated recessive disease, as either homozygous or compound heterozygous with a second variant (PMID: 36314956, 31672324, 30596175, 17329572). Computational prediction algorithms indicate this variant is likely to affect gene or protein function. Given the available evidence, this variant is classified as Likely Pathogenic.

Labcorp Genetics (formerly Invitae), Labcorp
Classification: Likely pathogenic. Last evaluated: 2025-05-28. Review status: criteria provided, single submitter. Criteria: Invitae Variant Classification Sherloc (09022015). Collection method: clinical testing. Allele origin: germline.
Comment: This sequence change replaces serine, which is neutral and polar, with leucine, which is neutral and non-polar, at codon 350 of the SLC12A3 protein (p.Ser350Leu). This variant is present in population databases (rs778585043, gnomAD 0.004%). This missense change has been observed in individuals with clinical features of Gitelman syndrome (PMID: 17329572, 30596175, 31672324). ClinVar contains an entry for this variant (Variation ID: 805468). Invitae Evidence Modeling of protein sequence and biophysical properties (such as structural, functional, and spatial information, amino acid conservation, physicochemical variation, residue mobility, and thermodynamic stability) indicates that this missense variant is expected to disrupt SLC12A3 protein function with a positive predictive value of 95%. In summary, the currently available evidence indicates that the variant is pathogenic, but additional data are needed to prove that conclusively. Therefore, this variant has been classified as Likely Pathogenic.

Fulgent Genetics
Classification: Likely pathogenic for Familial hypokalemia-hypomagnesemia. Last evaluated: 2024-05-23. Review status: criteria provided, single submitter. Criteria: ACMG Guidelines, 2015. Collection method: clinical testing. Allele origin: germline.

MGZ Medical Genetics Center
Classification: Uncertain significance for Familial hypokalemia-hypomagnesemia. Last evaluated: 2022-05-31. Review status: criteria provided, single submitter. Criteria: ACMG Guidelines, 2015. Collection method: clinical testing. Allele origin: germline. Affected: yes. Observed: 1 variant allele.
Comment: ACMG criteria applied: PM3, PM2_SUP, PP3

Athena Diagnostics
Classification: Uncertain significance. Last evaluated: 2019-05-01. Review status: criteria provided, single submitter. Criteria: Athena Diagnostics Criteria. Collection method: clinical testing. Allele origin: germline.

Literature cited by the submitters: PubMed 36314956 (cited by Natera, Inc.); PubMed 31672324 (cited by Natera, Inc. and Labcorp Genetics (formerly Invitae), Labcorp); PubMed 30596175 (cited by Natera, Inc. and Labcorp Genetics (formerly Invitae), Labcorp); PubMed 17329572 (cited by 3 submitters).